The following is an entry in ClinVar:

NM_024422.6(DSC2):c.2119C>G (p.Leu707Val)

Gene: DSC2 (desmocollin 2; minus strand). Cytogenetic location: 18q12.1.
Variant type: single nucleotide variant.
Coding change: c.2119C>G on transcript NM_024422.6 (MANE Select); coding-DNA position 2119, C replaced by G.
Protein change: p.Leu707Val; replaces leucine 707 with valine.
Molecular consequence: missense variant.
Genome position (GRCh38, 1-based): chr18:31,071,611, G>C on the plus strand (C>G on the coding strand, the complement: DSC2 is on the minus strand). VCF-style: chr18-31071611-G-C. GRCh37 (hg19) VCF-style: chr18-28651577-G-C.
Other names: c.2119C>G, p.Leu707Val (NM_004949.5); short protein forms L707V.
Identifiers: ClinVar variation 922376 (VCV000922376.5), dbSNP rs1986829406, ClinGen allele CA402112703.

ClinVar aggregate classification (germline): Uncertain significance (1 of 4 stars; one submission).

Conditions:
Cardiomyopathy (CMYO). Also called: Cardiomyopathies. Identifiers: Orphanet 167848, MedGen C0878544, MONDO:0004994, HP:0001638. Inheritance: Various modes of inheritance.

Submission:

Color Diagnostics, LLC DBA Color Health
Classification: Uncertain significance for Cardiomyopathy. Last evaluated: 2023-12-05. Review status: criteria provided, single submitter. Criteria: ACMG Guidelines, 2015. Collection method: clinical testing. Allele origin: germline.
Comment: This missense variant replaces leucine with valine at codon 707 of the DSC2 protein. Computational prediction tools and conservation analyses suggest that this variant may have deleterious impact on the protein function. Computational splicing tools suggest that this variant may not impact RNA splicing. To our knowledge, functional assays have not been performed for this variant nor has this variant been reported in individuals affected with cardiovascular disorders in the literature. This variant has not been identified in the general population by the Genome Aggregation Database (gnomAD). Available evidence is insufficient to determine the role of this variant in disease conclusively. Therefore, this variant is classified as a Variant of Uncertain Significance.